The following is an entry in ClinVar:

NM_002693.3(POLG):c.3483-13_3483-10dup

Gene: POLG (DNA polymerase gamma, catalytic subunit; minus strand). Cytogenetic location: 15q26.1.
Variant type: Duplication.
Coding change: c.3483-13_3483-10dup on transcript NM_002693.3 (MANE Select); 13 bases into the intron before coding-DNA position 3483 through 10 bases into the intron before coding-DNA position 3483, 4 bases duplicated (GGGT; older notation c.3483-13_3483-10dupGGGT).
Molecular consequence: intron variant.
Genome position (GRCh38, 1-based): chr15:89,317,546-89,317,549, ACCC duplicated on the plus strand (GGGT on the coding strand, the reverse complement: POLG is on the minus strand); duplicating any 4 consecutive bases within chr15:89,317,546-89,317,550 gives the same sequence; the c. name uses the placement nearest the transcript's 3' end. VCF-style (leftmost placement, unchanged base first): chr15-89317545-G-GACCC. GRCh37 (hg19) VCF-style: chr15-89860776-G-GACCC.
Other names: p.?; c.3483-13_3483-10dup (NM_002693.2, NM_001126131.2); c.3483-13_3483-10dupGGGT (NM_002693.2, NM_002693.3); c.3483-10_3483-9insGGGT (NM_002693.2).
Identifiers: ClinVar variation 1343944 (VCV001343944.16), dbSNP rs1324794268, ClinGen allele CA10602331.

ClinVar aggregate classification (germline): Conflicting classifications of pathogenicity. Review status: criteria provided, conflicting classifications (1 of 4 stars). 5 submissions from 5 submitters: Uncertain significance (2); Likely benign (3). Last evaluated 2026-01-14.

Conditions:
POLG-related disorder. Also called: POLG-Related Spectrum Disorders; POLG-related condition; POLG-Related Disorders. Identifiers: MedGen C4763519.
Hereditary spastic paraplegia. Also called: Familial spastic paraparesis. Identifiers: Orphanet 685, MedGen C0037773, MONDO:0019064. Disease mechanism: loss of function.
Progressive sclerosing poliodystrophy (MTDPS4A). Also called: NEURONAL DEGENERATION OF CHILDHOOD WITH LIVER DISEASE, PROGRESSIVE; Alpers Syndrome; ALPERS DIFFUSE DEGENERATION OF CEREBRAL GRAY MATTER WITH HEPATIC CIRRHOSIS; Alpers-Huttenlocher Syndrome; Mitochondrial DNA depletion syndrome 4A (Alpers type); Mitochondrial DNA Depletion Syndrome 4A. Identifiers: Orphanet 726, MedGen C0205710, MONDO:0008758, OMIM 203700.

Submissions (5):

Labcorp Genetics (formerly Invitae), Labcorp
Classification: Likely benign for Progressive sclerosing poliodystrophy. Last evaluated: 2026-01-14. Review status: criteria provided, single submitter. Criteria: Invitae Variant Classification Sherloc (09022015). Collection method: clinical testing. Allele origin: germline.

PreventionGenetics, part of Exact Sciences
Classification: Likely benign for POLG-related condition. Last evaluated: 2025-11-20. Review status: criteria provided, single submitter. Criteria: ACMG Guidelines, 2015. Collection method: clinical testing. Allele origin: germline.
Comment: This variant is classified as likely benign based on ACMG/AMP sequence variant interpretation guidelines (Richards et al. 2015 PMID: 25741868, with internal and published modifications).

Mayo Clinic Laboratories, Mayo Clinic
Classification: Likely benign. Last evaluated: 2025-04-10. Review status: criteria provided, single submitter. Criteria: ACMG Guidelines, 2015. Collection method: clinical testing. Allele origin: germline. Observed: 1 variant allele.
Comment: BP4, BP7

Women's Health and Genetics/Laboratory Corporation of America, LabCorp
Classification: Uncertain significance. Last evaluated: 2024-02-29. Review status: criteria provided, single submitter. Criteria: LabCorp Variant Classification Summary - May 2015. Collection method: clinical testing. Allele origin: germline.
Comment: Variant summary: POLG c.3483-13_3483-10dupGGGT alters a conserved nucleotide located at a position not widely known to affect splicing. Several computational tools predict a potential significant impact on normal splicing. Three predict the variant has no significant negative impact on splicing, and one predicts the variant weakens a 3' acceptor site. Two also predict the variant creates a 5' donor site. However, these predictions have yet to be confirmed by functional studies. The variant was absent in 251128 control chromosomes. The available data on variant occurrences in the general population are insufficient to allow any conclusion about variant significance. To our knowledge, no occurrence of c.3483-13_3483-10dupGGGT in individuals affected with POLG-Related Spectrum Disorders and no experimental evidence demonstrating its impact on protein function have been reported. ClinVar contains an entry for this variant (Variation ID: 1343944). Based on the evidence outlined above, the variant was classified as uncertain significance.

Genome Diagnostics Laboratory, The Hospital for Sick Children
Classification: Uncertain significance for Hereditary spastic paraplegia. Last evaluated: 2016-12-12. Review status: criteria provided, single submitter. Criteria: ACMG Guidelines, 2015. Collection method: clinical testing. Allele origin: germline. Affected: yes.